The following is an entry in ClinVar:

NM_001320.7(CSNK2B):c.342_343insTT (p.Glu115fs)

Gene: CSNK2B (casein kinase 2 beta; plus strand). Cytogenetic location: 6p21.33.
Variant type: Insertion.
Coding change: c.342_343insTT on transcript NM_001320.7 (MANE Select); coding-DNA positions 342 to 343, TT inserted.
Protein change: p.Glu115fs; shifts the reading frame from glutamic acid 115.
Molecular consequence: frameshift variant.
Genome position: GRCh38 VCF-style: chr6-31669146-G-GTT. GRCh37 (hg19) VCF-style: chr6-31636923-G-GTT.
Other names: c.342_343insTT, p.Glu115fs (NM_001282385.2); short protein forms E115fs.
Identifiers: ClinVar variation 3773731 (VCV003773731.2).

ClinVar aggregate classification (germline): Pathogenic (1 of 4 stars; one submission).

Conditions:
Poirier-Bienvenu neurodevelopmental syndrome (POBINDS). Identifiers: Orphanet 689397, MedGen C5231482, MONDO:0032889, OMIM 618732.

Submission:

Institute of Human Genetics, University of Leipzig Medical Center
Classification: Pathogenic for Poirier-Bienvenu neurodevelopmental syndrome. Last evaluated: 2025-03-04. Review status: criteria provided, single submitter. Criteria: ACMG Guidelines, 2015. Collection method: clinical testing. Allele origin: unknown. Inheritance: Autosomal dominant inheritance. Affected: yes.
Comment: Criteria applied: PVS1,PM2